The following is an entry in ClinVar:

ClinVar aggregate classification (germline): Likely benign. Review status: criteria provided, single submitter (1 of 4 stars). 2 submissions from 2 submitters: Likely benign (1). 1 of the submissions does not count toward it. Last evaluated 2023-08-29.

Conditions:
AP4E1-related disorder. Also called: AP4E1-related condition.
Spastic paraplegia. Identifiers: MedGen C0037772, HP:0001258.

Allele frequency attached by ClinVar (database versions not stated): gnomAD 0.00003; gnomAD exomes 0.00003; TOPMed 0.00004; ExAC 0.00012.
gnomAD v4.1: 59 of 1,613,480 alleles (0.0037%); highest among the groups gnomAD compares: East Asian, 0.096%; no homozygotes.

Submissions (2):

Labcorp Genetics (formerly Invitae), Labcorp
Classification: Likely benign for Spastic paraplegia. Last evaluated: 2023-08-29. Review status: criteria provided, single submitter. Criteria: Invitae Variant Classification Sherloc (09022015). Collection method: clinical testing. Allele origin: germline.

PreventionGenetics, part of Exact Sciences
Classification: Likely benign for AP4E1-related condition. Last evaluated: 2019-06-11. Review status: no assertion criteria provided. Collection method: clinical testing. Allele origin: germline. Not counted in ClinVar's aggregate classification.
Comment: This variant is classified as likely benign based on ACMG/AMP sequence variant interpretation guidelines (Richards et al. 2015 PMID: 25741868, with internal and published modifications).

NM_007347.5(AP4E1):c.1914G>A (p.Ala638=)

Gene: AP4E1 (adaptor related protein complex 4 subunit epsilon 1; plus strand). Cytogenetic location: 15q21.2.
Variant type: single nucleotide variant.
Coding change: c.1914G>A on transcript NM_007347.5 (MANE Select); coding-DNA position 1914, G replaced by A.
Protein change: p.Ala638=; no amino-acid change (alanine 638 retained).
Molecular consequence: synonymous variant.
Genome position (GRCh38, 1-based): chr15:50,968,325, G>A. VCF-style: chr15-50968325-G-A. GRCh37 (hg19) VCF-style: chr15-51260522-G-A.
Other names: c.1689G>A, p.Ala563= (NM_001252127.2); c.1914G>A (NM_007347.4).
Identifiers: ClinVar variation 2741192 (VCV002741192.5), dbSNP rs768213913, ClinGen allele CA7559197.